The following is an entry in ClinVar:

ClinVar aggregate classification (germline): Uncertain significance (1 of 4 stars; one submission).

Allele frequency attached by ClinVar (database versions not stated): gnomAD exomes below 0.00001.
gnomAD v4.1: 1 of 1,614,000 alleles (0.000062%); highest among the groups gnomAD compares: Non-Finnish European, 0.000085%; no homozygotes.

Submission:

Labcorp Genetics (formerly Invitae), Labcorp
Classification: Uncertain significance. Last evaluated: 2021-11-27. Review status: criteria provided, single submitter. Criteria: Invitae Variant Classification Sherloc (09022015). Collection method: clinical testing. Allele origin: germline.
Comment: This sequence change replaces valine, which is neutral and non-polar, with isoleucine, which is neutral and non-polar, at codon 168 of the COQ9 protein (p.Val168Ile). This variant is not present in population databases (gnomAD no frequency). This variant has not been reported in the literature in individuals affected with COQ9-related conditions. Algorithms developed to predict the effect of missense changes on protein structure and function (SIFT, PolyPhen-2, Align-GVGD) all suggest that this variant is likely to be tolerated. In summary, the available evidence is currently insufficient to determine the role of this variant in disease. Therefore, it has been classified as a Variant of Uncertain Significance.

NM_020312.4(COQ9):c.502G>A (p.Val168Ile)

Gene: COQ9 (coenzyme Q9; plus strand). Cytogenetic location: 16q21.
Variant type: single nucleotide variant.
Coding change: c.502G>A on transcript NM_020312.4 (MANE Select); coding-DNA position 502, G replaced by A.
Protein change: p.Val168Ile; replaces valine 168 with isoleucine.
Molecular consequence: missense variant.
Genome position (GRCh38, 1-based): chr16:57,456,627, G>A. VCF-style: chr16-57456627-G-A. GRCh37 (hg19) VCF-style: chr16-57490539-G-A.
Other names: short protein forms V168I.
Identifiers: ClinVar variation 1395291 (VCV001395291.6), dbSNP rs2146590920, ClinGen allele CA396028542.